The following is an entry in ClinVar:

NM_003060.4(SLC22A5):c.1631A>T (p.Asp544Val)

Gene: SLC22A5 (solute carrier family 22 member 5; plus strand). Cytogenetic location: 5q31.1.
Variant type: single nucleotide variant.
Coding change: c.1631A>T on transcript NM_003060.4 (MANE Select); coding-DNA position 1631, A replaced by T.
Protein change: p.Asp544Val; replaces aspartic acid 544 with valine.
Molecular consequence: missense variant.
Genome position (GRCh38, 1-based): chr5:132,394,229, A>T. VCF-style: chr5-132394229-A-T. GRCh37 (hg19) VCF-style: chr5-131729921-A-T.
Other names: p.Asp544Val; c.1703A>T, p.Asp568Val (NM_001308122.2); short protein forms D544V, D568V.
Identifiers: ClinVar variation 834267 (VCV000834267.10), dbSNP rs764068991, ClinGen allele CA3404223.

ClinVar aggregate classification (germline): Uncertain significance. Review status: criteria provided, multiple submitters, no conflicts (2 of 4 stars). 3 submissions from 3 submitters: Uncertain significance (2). 1 of the submissions does not count toward it. Last evaluated 2022-10-03.

Conditions:
Renal carnitine transport defect (CDSP). Also called: Primary carnitine deficiency; CARNITINE DEFICIENCY, SYSTEMIC, DUE TO DEFECT IN RENAL REABSORPTION OF CARNITINE; CARNITINE TRANSPORTER, PLASMA-MEMBRANE, DEFICIENCY OF; CARNITINE UPTAKE DEFECT; Systemic primary carnitine deficiency disease; Carnitine transporter deficiency. Identifiers: Orphanet 158, MedGen C0342788, MONDO:0008919, OMIM 212140.
Carnitine deficiency. Identifiers: MedGen C1142132.

Allele frequency attached by ClinVar (database versions not stated): gnomAD exomes below 0.00001; ExAC 0.00001; gnomAD 0.00003 and 0.00004; TOPMed 0.00003.
gnomAD v4.1: 6 of 1,613,876 alleles (0.00037%); highest among the groups gnomAD compares: African/African-American, 0.008%; no homozygotes.

Submissions (3):

Giacomini Lab, University of California, San Francisco
Classification: Uncertain significance for Renal carnitine transport defect. Last evaluated: 2022-10-03. Review status: criteria provided, single submitter. Criteria: ACMG Guidelines, 2015. Collection method: research, in vitro. Allele origin: germline, not applicable.

Labcorp Genetics (formerly Invitae), Labcorp
Classification: Uncertain significance for Renal carnitine transport defect. Last evaluated: 2019-12-12. Review status: criteria provided, single submitter. Criteria: Invitae Variant Classification Sherloc (09022015). Collection method: clinical testing. Allele origin: germline.
Comment: In summary, the available evidence is currently insufficient to determine the role of this variant in disease. Therefore, it has been classified as a Variant of Uncertain Significance. Algorithms developed to predict the effect of sequence changes on RNA splicing suggest that this variant may create or strengthen a splice site, but this prediction has not been confirmed by published transcriptional studies. Algorithms developed to predict the effect of missense changes on protein structure and function (SIFT, PolyPhen-2, Align-GVGD) all suggest that this variant is likely to be tolerated, but these predictions have not been confirmed by published functional studies and their clinical significance is uncertain. This variant has not been reported in the literature in individuals with SLC22A5-related conditions. This variant is present in population databases (rs764068991, ExAC 0.01%). This sequence change replaces aspartic acid with valine at codon 544 of the SLC22A5 protein (p.Asp544Val). The aspartic acid residue is weakly conserved and there is a large physicochemical difference between aspartic acid and valine.

Natera, Inc.
Classification: Uncertain significance for Carnitine deficiency. Last evaluated: 2025-01-18. Review status: no assertion criteria provided. Collection method: clinical testing. Allele origin: germline. Not counted in ClinVar's aggregate classification.